The following is an entry in ClinVar:

NM_198578.4(LRRK2):c.1136T>C (p.Met379Thr)

Gene: LRRK2 (leucine rich repeat kinase 2; plus strand). Cytogenetic location: 12q12.
Variant type: single nucleotide variant.
Coding change: c.1136T>C on transcript NM_198578.4 (MANE Select); coding-DNA position 1136, T replaced by C.
Protein change: p.Met379Thr; replaces methionine 379 with threonine.
Molecular consequence: missense variant.
Genome position (GRCh38, 1-based): chr12:40,251,499, T>C. VCF-style: chr12-40251499-T-C. GRCh37 (hg19) VCF-style: chr12-40645301-T-C.
Other names: short protein forms M379T.
Identifiers: ClinVar variation 1729855 (VCV001729855.2), dbSNP rs2499505518, ClinGen allele CA384408108.
Genomic context (GRCh38, chr12:40,251,499, plus strand): 5'-GATTTCTTTTTTCTCCCCTAATCCAGGAGGCCGCATGCTGGGCACTAAATAATCTCCTTA[T>C]GTACCAAAACAGTTTACATGAGAAGATTGGAGATGAAGATGGCCAGTTAGTAGTTTTGAT-3'
Protein context (NP_940980.4, residues 369-389): AACWALNNLL[Met379Thr]YQNSLHEKIG

ClinVar aggregate classification (germline): Uncertain significance (1 of 4 stars; one submission).

Conditions:
Inborn genetic diseases. Identifiers: MedGen C0950123, MeSH D030342.

Submission:

Ambry Genetics
Classification: Uncertain significance for Inborn genetic diseases. Last evaluated: 2022-07-05. Review status: criteria provided, single submitter. Criteria: Ambry Variant Classification Scheme 2023. Collection method: clinical testing. Allele origin: germline.
Comment: The p.M379T variant (also known as c.1136T>C), located in coding exon 10 of the LRRK2 gene, results from a T to C substitution at nucleotide position 1136. The methionine at codon 379 is replaced by threonine, an amino acid with similar properties. This amino acid position is conserved. In addition, this alteration is predicted to be tolerated by in silico analysis. Since supporting evidence is limited at this time, the clinical significance of this alteration remains unclear.